The following is an entry in ClinVar:

ClinVar aggregate classification (germline): Conflicting classifications of pathogenicity. Review status: criteria provided, conflicting classifications (1 of 4 stars). 3 submissions from 3 submitters: Uncertain significance (1); Likely benign (2). Last evaluated 2025-11-01.

Conditions:
Renal tubular dysgenesis. Also called: Renotubular dysgenesis. Identifiers: Orphanet 3033, MedGen C0266313, MONDO:0017609, HP:0008660.
ACE-related disorder. Also called: ACE-related disorders; ACE-related condition.

Allele frequency attached by ClinVar (database versions not stated): gnomAD exomes 0.00001 and 0.00002; ExAC 0.00002; gnomAD 0.00005; TOPMed 0.00006; ESP Exome Variant Server 0.00015.
gnomAD v4.1: 25 of 1,614,038 alleles (0.0015%); highest among the groups gnomAD compares: East Asian, 0.016%; no homozygotes.

Submissions (3):

Labcorp Genetics (formerly Invitae), Labcorp
Classification: Likely benign. Last evaluated: 2025-11-01. Review status: criteria provided, single submitter. Criteria: Invitae Variant Classification Sherloc (09022015). Collection method: clinical testing. Allele origin: germline.

PreventionGenetics, part of Exact Sciences
Classification: Likely benign for ACE-related condition. Last evaluated: 2025-03-13. Review status: criteria provided, single submitter. Criteria: ACMG Guidelines, 2015. Collection method: clinical testing. Allele origin: germline.
Comment: This variant is classified as likely benign based on ACMG/AMP sequence variant interpretation guidelines (Richards et al. 2015 PMID: 25741868, with internal and published modifications).

Illumina Laboratory Services, Illumina
Classification: Uncertain significance for Renal tubular dysgenesis of genetic origin. Last evaluated: 2018-01-13. Review status: criteria provided, single submitter. Criteria: ICSL Variant Classification Criteria 13 December 2019. Collection method: clinical testing. Allele origin: germline.

NM_000789.4(ACE):c.2487C>T (p.Tyr829=)

Gene: ACE (angiotensin I converting enzyme; plus strand). Cytogenetic location: 17q23.3.
Variant type: single nucleotide variant.
Coding change: c.2487C>T on transcript NM_000789.4 (MANE Select); coding-DNA position 2487, C replaced by T.
Protein change: p.Tyr829=; no amino-acid change (tyrosine 829 retained).
Molecular consequence: synonymous variant.
Genome position (GRCh38, 1-based): chr17:63,488,978, C>T. VCF-style: chr17-63488978-C-T. GRCh37 (hg19) VCF-style: chr17-61566339-C-T.
Other names: c.765C>T, p.Tyr255= (NM_001178057.2, NM_152830.3).
Identifiers: ClinVar variation 324397 (VCV000324397.7), dbSNP rs35580653, ClinGen allele CA8700134.